The following is an entry in ClinVar:

NM_030962.4(SBF2):c.2537-10C>G

Genes: SBF2 (SET binding factor 2; minus strand), LOC101928008 (uncharacterized LOC101928008; plus strand). Cytogenetic location: 11p15.4.
Variant type: single nucleotide variant.
Coding change: c.2537-10C>G on transcript NM_030962.4 (MANE Select); 10 bases into the intron before coding-DNA position 2537, C replaced by G.
Molecular consequence: intron variant.
Genome position (GRCh38, 1-based): chr11:9,852,759, G>C on the plus strand (C>G on the coding strand, the complement: SBF2 is on the minus strand). VCF-style: chr11-9852759-G-C. GRCh37 (hg19) VCF-style: chr11-9874306-G-C.
Other names: c.2408-10C>G (NM_001386342.1); c.2537-10C>G (NM_001386339.1).
Identifiers: ClinVar variation 2019333 (VCV002019333.4), dbSNP rs1293817306, ClinGen allele CA2580085040.
Genomic context (GRCh38, chr11:9,852,759, plus strand): 5'-TGCTTTCTCGATGTACTGCTTCTAGGGTCTCAATGTGCATAGCTACAATTCCTAGGATGA[G>C]TCAGAGTATTCAAAATGAAAGAACACAGACAAGCAGGATAAAAACAAATTCTGGATATTT-3'

ClinVar aggregate classification (germline): Uncertain significance (1 of 4 stars; one submission).

Conditions:
Charcot-Marie-Tooth disease type 4. Also called: Charcot-Marie-Tooth, Type 4; Charcot-Marie-Tooth disease, type IV. Identifiers: Orphanet 64749, MedGen C4082197, MONDO:0018995.

Submission:

Labcorp Genetics (formerly Invitae), Labcorp
Classification: Uncertain significance for Charcot-Marie-Tooth disease type 4. Last evaluated: 2022-07-23. Review status: criteria provided, single submitter. Criteria: Invitae Variant Classification Sherloc (09022015). Collection method: clinical testing. Allele origin: germline.
Comment: In summary, the available evidence is currently insufficient to determine the role of this variant in disease. Therefore, it has been classified as a Variant of Uncertain Significance. Algorithms developed to predict the effect of sequence changes on RNA splicing suggest that this variant may disrupt the consensus splice site. This variant has not been reported in the literature in individuals affected with SBF2-related conditions. This variant is not present in population databases (gnomAD no frequency). This sequence change falls in intron 20 of the SBF2 gene. It does not directly change the encoded amino acid sequence of the SBF2 protein.